The following is an entry in ClinVar:

NM_181523.3(PIK3R1):c.351T>C (p.Asp117=)

Gene: PIK3R1 (phosphoinositide-3-kinase regulatory subunit 1; plus strand). Cytogenetic location: 5q13.1.
Variant type: single nucleotide variant.
Coding change: c.351T>C on transcript NM_181523.3 (MANE Select); coding-DNA position 351, T replaced by C.
Protein change: p.Asp117=; no amino-acid change (aspartic acid 117 retained).
Molecular consequence: synonymous variant.
Genome position (GRCh38, 1-based): chr5:68,273,406, T>C. VCF-style: chr5-68273406-T-C. GRCh37 (hg19) VCF-style: chr5-67569234-T-C.
Other names: NM_181523.3(PIK3R1):c.351T>C; p.Asp117=.
Identifiers: ClinVar variation 1637287 (VCV001637287.9), dbSNP rs2112164402, ClinGen allele CA444485809.

ClinVar aggregate classification (germline): Likely benign. Review status: reviewed by expert panel (3 of 4 stars). 2 submissions from 2 submitters: Likely benign (1). 1 of the submissions does not count toward it. Last evaluated 2026-05-19.

Conditions:
PIK3R1-related immunodeficiency and SHORT syndrome. Identifiers: MedGen CN379774, MONDO:1060136.
Agammaglobulinemia 7, autosomal recessive (AGM7). Also called: AGAMMAGLOBULINEMIA, AUTOSOMAL RECESSIVE, DUE TO PIK3R1 DEFECT. Identifiers: MedGen C3554689, MONDO:0014083, OMIM 615214.
SHORT syndrome. Also called: SHORT STATURE, HYPEREXTENSIBILITY, HERNIA, OCULAR DEPRESSION, RIEGER ANOMALY, AND TEETHING DELAY; LIPODYSTROPHY, PARTIAL, WITH RIEGER ANOMALY AND SHORT STATURE; PIK3R1-Related SHORT Syndrome. Identifiers: Orphanet 3163, MedGen C0878684, MONDO:0010026, OMIM 269880.
Immunodeficiency 36 with lymphoproliferation. Also called: Immunodeficiency 36; ACTIVATED PI3K-DELTA SYNDROME 2; Activated PI3K Delta Syndrome Type 2 (APDS2). Identifiers: Orphanet 397596, Orphanet 693681, MedGen C4014934, MONDO:0014453, OMIM 616005.

Allele frequency attached by ClinVar (database versions not stated): gnomAD exomes below 0.00001.
gnomAD v4.1: 6 of 1,614,134 alleles (0.00037%); highest among the groups gnomAD compares: South Asian, 0.0022%; no homozygotes.

Submissions (2):

ClinGen Primary Immune Regulatory Disorders Variant Curation Expert Panel, ClinGen
Classification: Likely benign for PIK3R1-related immunodeficiency and SHORT syndrome. Last evaluated: 2026-05-19. Review status: reviewed by expert panel. Criteria: ClinGen AbDef ACMG Specifications PIK3R1 V1.0.0. Collection method: curation. Allele origin: germline. Inheritance: Autosomal dominant inheritance.
Comment: NM_181523.3(PIK3R1):c.351T>C (p.Asp117=) is a synonymous variant near the 5' end of exon 3 that is not predicted to impact PIK3R1 splicing (BP7). The splicing impact predictor SpliceAI gives delta scores of 0.01 for acceptor loss, acceptor gain, and donor gain, which are below the ClinGen Antibody Deficiencies VCEP recommended threshold of <0.1 and do not strongly predict an impact on PIK3R1 splicing (BP4). This variant is present in gnomAD v4.1.0 at a total allele frequency of 0.000003717, with 6 alleles / 1,614,134 total alleles across all populations of gnomAD, which is higher than the ClinGen Antibody Deficiencies PM2_Supporting threshold of <0.00000132. This variant is present in gnomAD v4.1.0 at a GrpMax allele frequency of 0.000003650, with 2 alleles / 91,088 total alleles in the South Asian population, which is lower than the ClinGen Antibody Deficiencies VCEP BS1 threshold of >0.000316, so no population code is met. No cases of the variant segregating in PIK3R1-related immunodeficiency and SHORT syndrome were found in the literature. In summary, this variant meets the criteria to be classified as likely benign for autosomal dominant PIK3R1-related immunodeficiency and SHORT syndrome based on the ACMG/AMP criteria applied, as specified by the ClinGen Antibody Deficiencies VCEP: BP4 and BP7. (VCEP specifications version 1.0.0; date of approval 04/29/2026).

Labcorp Genetics (formerly Invitae), Labcorp
Classification: Likely benign for SHORT syndrome; Immunodeficiency 36 with lymphoproliferation; Agammaglobulinemia 7, autosomal recessive. Last evaluated: 2024-10-14. Review status: criteria provided, single submitter. Criteria: Invitae Variant Classification Sherloc (09022015). Collection method: clinical testing. Allele origin: germline. Not counted in ClinVar's aggregate classification.